The following is an entry in ClinVar:

NM_000188.3(HK1):c.1373C>T (p.Ala458Val)

Gene: HK1 (hexokinase 1; plus strand). Cytogenetic location: 10q22.1.
Variant type: single nucleotide variant.
Coding change: c.1373C>T on transcript NM_000188.3 (MANE Select); coding-DNA position 1373, C replaced by T.
Protein change: p.Ala458Val; replaces alanine 458 with valine.
Molecular consequence: missense variant.
Genome position (GRCh38, 1-based): chr10:69,382,594, C>T. VCF-style: chr10-69382594-C-T. GRCh37 (hg19) VCF-style: chr10-71142350-C-T.
Other names: c.1385C>T, p.Ala462Val (NM_001322364.2, NM_001358263.1, NM_033497.3 and 1 more transcripts); c.1478C>T, p.Ala493Val (NM_001322365.2); c.1289C>T, p.Ala430Val (NM_001322366.1); c.1277C>T, p.Ala426Val (NM_001322367.1); c.1370C>T, p.Ala457Val (NM_033496.3); c.1337C>T, p.Ala446Val (NM_033500.2); short protein forms A430V, A426V, A446V, A458V, A493V, A457V, A462V.
Identifiers: ClinVar variation 1918652 (VCV001918652.5), dbSNP rs1477873055, ClinGen allele CA376909724.

ClinVar aggregate classification (germline): Uncertain significance (1 of 4 stars; one submission).

Allele frequency attached by ClinVar (database versions not stated): gnomAD exomes below 0.00001; TOPMed below 0.00001.
gnomAD v4.1: 1 of 1,614,160 alleles (0.000062%); highest among the groups gnomAD compares: Non-Finnish European, 0.000085%; no homozygotes.

Submission:

Labcorp Genetics (formerly Invitae), Labcorp
Classification: Uncertain significance. Last evaluated: 2022-03-26. Review status: criteria provided, single submitter. Criteria: Invitae Variant Classification Sherloc (09022015). Collection method: clinical testing. Allele origin: germline.
Comment: This variant has not been reported in the literature in individuals affected with HK1-related conditions. This variant is not present in population databases (gnomAD no frequency). This sequence change replaces alanine, which is neutral and non-polar, with valine, which is neutral and non-polar, at codon 458 of the HK1 protein (p.Ala458Val). Algorithms developed to predict the effect of missense changes on protein structure and function are either unavailable or do not agree on the potential impact of this missense change (SIFT: "Deleterious"; PolyPhen-2: "Probably Damaging"; Align-GVGD: "Class C15"). In summary, the available evidence is currently insufficient to determine the role of this variant in disease. Therefore, it has been classified as a Variant of Uncertain Significance.